The following is an entry in ClinVar:

NM_001387430.1(SH2B1):c.2021C>T (p.Ala674Val)

Gene: SH2B1 (SH2B adaptor protein 1; plus strand). Cytogenetic location: 16p11.2.
Variant type: single nucleotide variant.
Coding change: c.2021C>T on transcript NM_001387430.1 (MANE Select); coding-DNA position 2021, C replaced by T.
Protein change: p.Ala674Val; replaces alanine 674 with valine.
Molecular consequence: missense variant. On other transcripts: 3 prime UTR variant (5).
Genome position (GRCh38, 1-based): chr16:28,873,570, C>T. VCF-style: chr16-28873570-C-T. GRCh37 (hg19) VCF-style: chr16-28884891-C-T.
Other names: c.2021C>T, p.Ala674Val (NM_001145795.2, NM_001308293.2, NM_001387404.1); c.*105C>T (NM_001145796.2, NM_001145812.2, NM_001308294.2 and 1 more transcripts); c.*122C>T (NM_001145797.2); short protein forms A674V.
Identifiers: ClinVar variation 4990680 (VCV004990680.1).
Genomic context (GRCh38, chr16:28,873,570, plus strand): 5'-AGCCTGGGGCAGAAGAGGCGTCGAGGGCGCCAGAAGTGGCGGCAGCAGCAGCCGCAGCAG[C>T]CAAAGAGAGGCAAGAGAAAGAGAAAGCGGGCGGTGGAGGGGTCCCGGAAGAGCTGGTCCC-3'
Protein context (NP_001374359.1, residues 664-684): PEVAAAAAAA[Ala674Val]KERQEKEKAG

ClinVar aggregate classification (germline): Uncertain significance (1 of 4 stars; one submission).

Conditions:
SH2B1-related disorder. Also called: SH2B1-related condition.

gnomAD v4.1: 2 of 1,593,528 alleles (0.00013%); highest among the groups gnomAD compares: Admixed American, 0.0035%; no homozygotes.

Submission:

PreventionGenetics, part of Exact Sciences
Classification: Uncertain significance for SH2B1-related condition. Last evaluated: 2026-05-03. Review status: criteria provided, single submitter. Criteria: ACMG Guidelines, 2015. Collection method: clinical testing. Allele origin: germline.
Comment: The SH2B1 c.2021C>T variant is predicted to result in the amino acid substitution p.Ala674Val. To our knowledge, this variant has not been reported in the literature. This variant is reported in 0.0034% of alleles in individuals of Latino descent in gnomAD. At this time, the clinical significance of this variant is uncertain due to the absence of conclusive functional and genetic evidence.